The following is an entry in ClinVar:

NM_033026.6(PCLO):c.12907T>A (p.Leu4303Ile)

Gene: PCLO (piccolo presynaptic cytomatrix protein; minus strand). Cytogenetic location: 7q21.11.
Variant type: single nucleotide variant.
Coding change: c.12907T>A on transcript NM_033026.6 (MANE Select); coding-DNA position 12907, T replaced by A.
Protein change: p.Leu4303Ile; replaces leucine 4303 with isoleucine.
Molecular consequence: missense variant.
Genome position (GRCh38, 1-based): chr7:82,915,079, A>T on the plus strand (T>A on the coding strand, the complement: PCLO is on the minus strand). VCF-style: chr7-82915079-A-T. GRCh37 (hg19) VCF-style: chr7-82544395-A-T.
Other names: c.12907T>A, p.Leu4303Ile (NM_014510.3); short protein forms L4303I.
Identifiers: ClinVar variation 3415766 (VCV003415766.2).
Genomic context (GRCh38, chr7:82,915,079, plus strand): 5'-CTTCAGCCTCTTGAGCTTTCAGTCTTAGGGAAGAGCTAGAAGAATCCCTTTTAATTGATA[A>T]ATCAAGCCCATAGACAGAGGAAGGTCTGGAGGAAGGTCTGGACCTGCTGCCACTACTGTA-3'
Protein context (NP_149015.2, residues 4293-4313): SRPSSVYGLD[Leu4303Ile]SIKRDSSSSS

ClinVar aggregate classification (germline): Uncertain significance. Review status: criteria provided, multiple submitters, no conflicts (2 of 4 stars). 2 submissions from 2 submitters: Uncertain significance (2). Last evaluated 2026-04-28.

Conditions:
Inborn genetic diseases. Identifiers: MedGen C0950123, MeSH D030342.

gnomAD v4.1: 13 of 1,607,400 alleles (0.00081%); highest among the groups gnomAD compares: Non-Finnish European, 0.0011%; no homozygotes.

Submissions (2):

Women's Health and Genetics/Laboratory Corporation of America, LabCorp
Classification: Uncertain significance. Last evaluated: 2026-04-28. Review status: criteria provided, single submitter. Criteria: LabCorp Variant Classification Summary - May 2015. Collection method: clinical testing. Allele origin: germline.
Comment: Variant summary: PCLO c.12907T>A (p.Leu4303Ile) results in a conservative amino acid change in the encoded protein sequence. Algorithms developed to predict the effect of missense changes on protein structure and function are either unavailable or do not agree on the potential impact of this missense change. The variant was absent in 231644 control chromosomes. The available data on variant occurrences in the general population are insufficient to allow any conclusion about variant significance. To our knowledge, no occurrence of c.12907T>A in individuals affected with PCLO-related conditions and no experimental evidence demonstrating its impact on protein function have been reported. ClinVar contains an entry for this variant (Variation ID: 3415766). Based on the evidence outlined above, the variant was classified as uncertain significance.

Ambry Genetics
Classification: Uncertain significance for Inborn genetic diseases. Last evaluated: 2024-09-03. Review status: criteria provided, single submitter. Criteria: Ambry Variant Classification Scheme 2023. Collection method: clinical testing. Allele origin: germline.